The following is an entry in ClinVar:

NM_017654.4(SAMD9):c.746G>A (p.Gly249Asp)

Gene: SAMD9 (sterile alpha motif domain containing 9; minus strand). Cytogenetic location: 7q21.2.
Variant type: single nucleotide variant.
Coding change: c.746G>A on transcript NM_017654.4 (MANE Select); coding-DNA position 746, G replaced by A.
Protein change: p.Gly249Asp; replaces glycine 249 with aspartic acid.
Molecular consequence: missense variant.
Genome position (GRCh38, 1-based): chr7:93,105,352, C>T on the plus strand (G>A on the coding strand, the complement: SAMD9 is on the minus strand). VCF-style: chr7-93105352-C-T. GRCh37 (hg19) VCF-style: chr7-92734665-C-T.
Other names: c.746G>A, p.Gly249Asp (NM_001193307.2); short protein forms G249D.
Identifiers: ClinVar variation 3668990 (VCV003668990.2).

ClinVar aggregate classification (germline): Uncertain significance (1 of 4 stars; one submission).

Submission:

Labcorp Genetics (formerly Invitae), Labcorp
Classification: Uncertain significance. Last evaluated: 2024-02-07. Review status: criteria provided, single submitter. Criteria: Invitae Variant Classification Sherloc (09022015). Collection method: clinical testing. Allele origin: germline.
Comment: This sequence change replaces glycine, which is neutral and non-polar, with aspartic acid, which is acidic and polar, at codon 249 of the SAMD9 protein (p.Gly249Asp). This variant is present in population databases (no rsID available, gnomAD 0.0009%). This variant has not been reported in the literature in individuals affected with SAMD9-related conditions. Algorithms developed to predict the effect of missense changes on protein structure and function output the following: SIFT: "Not Available"; PolyPhen-2: "Possibly Damaging"; Align-GVGD: "Not Available". The aspartic acid amino acid residue is found in multiple mammalian species, which suggests that this missense change does not adversely affect protein function. In summary, the available evidence is currently insufficient to determine the role of this variant in disease. Therefore, it has been classified as a Variant of Uncertain Significance.